The following is an entry in ClinVar:

NM_001044.5(SLC6A3):c.1398+4C>T

Gene: SLC6A3 (solute carrier family 6 member 3). Cytogenetic location: 5p15.33.
Variant type: single nucleotide variant.
Coding change: c.1398+4C>T on transcript NM_001044.5 (MANE Select); 4 bases into the intron after coding-DNA position 1398, C replaced by T.
Molecular consequence: intron variant.
Genome position (GRCh38, 1-based): chr5:1,409,717, G>A on the plus strand (C>T on the coding strand, the complement: SLC6A3 is on the minus strand). VCF-style: chr5-1409717-G-A. GRCh37 (hg19) VCF-style: chr5-1409832-G-A.
Identifiers: ClinVar variation 1362992 (VCV001362992.6), dbSNP rs567904721, ClinGen allele CA3186062.

ClinVar aggregate classification (germline): Uncertain significance (1 of 4 stars; one submission).

Conditions:
Parkinsonism-dystonia, infantile. Identifiers: Orphanet 238455, MedGen C2751067, MONDO:0013150.

Allele frequency attached by ClinVar (database versions not stated): gnomAD 0.00001; gnomAD exomes 0.00001; ExAC 0.00002; 1000 Genomes Project 30x 0.00016; 1000 Genomes Project 0.00020.

Submission:

Labcorp Genetics (formerly Invitae), Labcorp
Classification: Uncertain significance for Parkinsonism-dystonia, infantile. Last evaluated: 2022-07-01. Review status: criteria provided, single submitter. Criteria: Invitae Variant Classification Sherloc (09022015). Collection method: clinical testing. Allele origin: germline.
Comment: This sequence change falls in intron 10 of the SLC6A3 gene. It does not directly change the encoded amino acid sequence of the SLC6A3 protein. It affects a nucleotide within the consensus splice site. ClinVar contains an entry for this variant (Variation ID: 1362992). This variant is present in population databases (rs567904721, gnomAD 0.008%). This variant has not been reported in the literature in individuals affected with SLC6A3-related conditions. Variants that disrupt the consensus splice site are a relatively common cause of aberrant splicing (PMID: 17576681, 9536098). Algorithms developed to predict the effect of sequence changes on RNA splicing suggest that this variant is not likely to affect RNA splicing. In summary, the available evidence is currently insufficient to determine the role of this variant in disease. Therefore, it has been classified as a Variant of Uncertain Significance.

Literature cited by the submitters: PubMed 17576681; PubMed 9536098.